The following is an entry in ClinVar:

NM_000535.7(PMS2):c.449C>T (p.Pro150Leu)

Gene: PMS2 (PMS1 homolog 2, mismatch repair system component; minus strand). Cytogenetic location: 7p22.1.
Variant type: single nucleotide variant.
Coding change: c.449C>T on transcript NM_000535.7 (MANE Select); coding-DNA position 449, C replaced by T.
Protein change: p.Pro150Leu; replaces proline 150 with leucine.
Molecular consequence: missense variant. On other transcripts: 5 prime UTR variant (2), non-coding transcript variant (1).
Genome position (GRCh38, 1-based): chr7:6,002,541, G>A on the plus strand (C>T on the coding strand, the complement: PMS2 is on the minus strand). VCF-style: chr7-6002541-G-A. GRCh37 (hg19) VCF-style: chr7-6042172-G-A.
Other names: c.44C>T, p.Pro15Leu (NM_001322003.2, NM_001322004.2, NM_001322005.2 and 3 more transcripts); c.449C>T, p.Pro150Leu (NM_001322006.2, NM_001322014.2); c.131C>T, p.Pro44Leu (NM_001322007.2, NM_001322008.2); c.-436C>T (NM_001322011.2, NM_001322012.2); c.140C>T, p.Pro47Leu (NM_001322015.2); short protein forms P150L, P15L, P47L, P44L.
Identifiers: ClinVar variation 229736 (VCV000229736.21), dbSNP rs778119115, ClinGen allele CA049823.

ClinVar aggregate classification (germline): Uncertain significance. Review status: criteria provided, multiple submitters, no conflicts (2 of 4 stars). 6 submissions from 6 submitters: Uncertain significance (6). Last evaluated 2025-10-16.

Conditions:
Hereditary nonpolyposis colorectal neoplasms. Identifiers: MedGen C0009405, MeSH D003123.
Hereditary cancer-predisposing syndrome. Also called: Hereditary neoplastic syndrome; Hereditary Cancer Syndrome; Neoplastic Syndromes, Hereditary; Tumor predisposition. Identifiers: Orphanet 140162, MedGen C0027672, MeSH D009386, MONDO:0015356.
Lynch syndrome. Identifiers: Orphanet 144, MedGen C4552100, MONDO:0005835. Disease mechanism: loss of function.

Allele frequency attached by ClinVar (database versions not stated): gnomAD exomes below 0.00001; TOPMed below 0.00001; ExAC 0.00001; gnomAD 0.00001.
gnomAD v4.1: 7 of 1,611,566 alleles (0.00043%); highest among the groups gnomAD compares: South Asian, 0.0011%; no homozygotes.

Submissions (6):

Ambry Genetics
Classification: Uncertain significance for Hereditary cancer-predisposing syndrome. Last evaluated: 2025-10-16. Review status: criteria provided, single submitter. Criteria: Ambry Variant Classification Scheme 2023. Collection method: clinical testing. Allele origin: germline.
Comment: The p.P150L variant (also known as c.449C>T), located in coding exon 5 of the PMS2 gene, results from a C to T substitution at nucleotide position 449. The proline at codon 150 is replaced by leucine, an amino acid with similar properties. This amino acid position is well conserved in available vertebrate species. In addition, the in silico prediction for this alteration is inconclusive. Since supporting evidence is limited at this time, the clinical significance of this alteration remains unclear.

Labcorp Genetics (formerly Invitae), Labcorp
Classification: Uncertain significance for Hereditary nonpolyposis colorectal neoplasms. Last evaluated: 2024-09-09. Review status: criteria provided, single submitter. Criteria: Invitae Variant Classification Sherloc (09022015). Collection method: clinical testing. Allele origin: germline.
Comment: This sequence change replaces proline, which is neutral and non-polar, with leucine, which is neutral and non-polar, at codon 150 of the PMS2 protein (p.Pro150Leu). This variant is present in population databases (rs778119115, gnomAD 0.0009%). This variant has not been reported in the literature in individuals affected with PMS2-related conditions. ClinVar contains an entry for this variant (Variation ID: 229736). Invitae Evidence Modeling of protein sequence and biophysical properties (such as structural, functional, and spatial information, amino acid conservation, physicochemical variation, residue mobility, and thermodynamic stability) indicates that this missense variant is expected to disrupt PMS2 protein function with a positive predictive value of 80%. In summary, the available evidence is currently insufficient to determine the role of this variant in disease. Therefore, it has been classified as a Variant of Uncertain Significance.

Institute for Biomarker Research, Medical Diagnostic Laboratories, L.L.C.
Classification: Uncertain significance for Hereditary cancer-predisposing syndrome. Last evaluated: 2023-10-31. Review status: criteria provided, single submitter. Criteria: ACMG Guidelines, 2015. Collection method: clinical testing. Allele origin: germline.

All of Us Research Program, National Institutes of Health
Classification: Uncertain significance for Lynch syndrome. Last evaluated: 2023-10-02. Review status: criteria provided, single submitter. Criteria: ACMG Guidelines, 2015. Collection method: clinical testing. Allele origin: germline. Inheritance: Autosomal dominant inheritance. Observed: 1 variant allele, 1 heterozygote.
Comment: This missense variant replaces proline with leucine at codon 150 of the PMS2 protein. Computational prediction is inconclusive regarding the impact of this variant on protein structure and function (internally defined REVEL score threshold 0.5 < inconclusive < 0.7, PMID: 27666373). To our knowledge, functional studies have not been reported for this variant. This variant has not been reported in individuals affected with PMS2-related disorders in the literature. This variant has been identified in 1/250968 chromosomes in the general population by the Genome Aggregation Database (gnomAD). The available evidence is insufficient to determine the role of this variant in disease conclusively. Therefore, this variant is classified as a Variant of Uncertain Significance.

This study involves interpretation of variants in research participants for the purpose of population health screening. Participant phenotype was not available at the time of variant classification. Additional details can be found in publication PMID: 35346344, PMCID: PMC8962531

Color Diagnostics, LLC DBA Color Health
Classification: Uncertain significance for Hereditary cancer-predisposing syndrome. Last evaluated: 2023-09-06. Review status: criteria provided, single submitter. Criteria: ACMG Guidelines, 2015. Collection method: clinical testing. Allele origin: germline.
Comment: This missense variant replaces proline with leucine at codon 150 of the PMS2 protein. Computational prediction is inconclusive regarding the impact of this variant on protein structure and function (internally defined REVEL score threshold 0.5 < inconclusive < 0.7, PMID: 27666373). To our knowledge, functional studies have not been reported for this variant. This variant has not been reported in individuals affected with PMS2-related disorders in the literature. This variant has been identified in 1/250968 chromosomes in the general population by the Genome Aggregation Database (gnomAD). The available evidence is insufficient to determine the role of this variant in disease conclusively. Therefore, this variant is classified as a Variant of Uncertain Significance.

Sema4
Classification: Uncertain significance for Hereditary cancer-predisposing syndrome. Last evaluated: 2022-01-12. Review status: criteria provided, single submitter. Criteria: Sema4 Curation Guidelines. Collection method: curation. Allele origin: germline.
Comment: The PMS2 c.449C>T (p.P150L) variant has not been reported in individuals with PMS2-related disease. It was observed in 1/250968 chromosomes across all populations, in the large and broad cohorts of the Genome Aggregation Database (PMID: 32461654). This variant has been reported in ClinVar (Variation ID: 229736). Functional studies have not been performed, and in silico predictions of the variant's effect on protein function are inconclusive. The evidence is insufficient to meet ACMG/AMP criteria for classifying the variant as benign or pathogenic. Thus, the clinical significance of this variant is currently uncertain